The following is an entry in ClinVar:

NM_138959.3(VANGL1):c.73G>A (p.Glu25Lys)

Gene: VANGL1 (VANGL planar cell polarity protein 1; plus strand). Cytogenetic location: 1p13.1.
Variant type: single nucleotide variant.
Coding change: c.73G>A on transcript NM_138959.3 (MANE Select); coding-DNA position 73, G replaced by A.
Protein change: p.Glu25Lys; replaces glutamic acid 25 with lysine.
Molecular consequence: missense variant.
Genome position (GRCh38, 1-based): chr1:115,659,642, G>A. VCF-style: chr1-115659642-G-A. GRCh37 (hg19) VCF-style: chr1-116202263-G-A.
Other names: c.73G>A, p.Glu25Lys (NM_001172411.2, NM_001172412.2); short protein forms E25K.
Identifiers: ClinVar variation 874501 (VCV000874501.6), dbSNP rs61734296, ClinGen allele CA1023142.

ClinVar aggregate classification (germline): Conflicting classifications of pathogenicity. Review status: criteria provided, conflicting classifications (1 of 4 stars). 3 submissions from 2 submitters: Uncertain significance (1); Likely benign (1). 1 of the submissions does not count toward it. Last evaluated 2017-04-27.

Conditions:
VANGL1-related disorder. Also called: VANGL1-related condition.
Sacral defect with anterior meningocele. Identifiers: MedGen C1838568, OMIM 600145.
Neural tube defect (NTD). Also called: Neural tube defects. Identifiers: Orphanet 3388, Orphanet 823, MedGen C0027794, MONDO:0018075, HP:0045005.

Allele frequency attached by ClinVar (database versions not stated): ESP Exome Variant Server 0.00046; gnomAD 0.00048; gnomAD exomes 0.00049 and 0.00085; TOPMed 0.00054; ExAC 0.00067.
gnomAD v4.1: 815 of 1,614,004 alleles (0.05%); highest among the groups gnomAD compares: Non-Finnish European, 0.029%; 5 homozygotes.

Submissions (3):

Illumina Laboratory Services, Illumina
Classification: Likely benign for Sacral defect with anterior meningocele. Last evaluated: 2017-04-27. Review status: criteria provided, single submitter. Criteria: ICSL Variant Classification Criteria 13 December 2019. Collection method: clinical testing. Allele origin: germline.
Comment: This variant was observed as part of a predisposition screen in an ostensibly healthy population. A literature search was performed for the gene, cDNA change, and amino acid change (where applicable). No publications were found based on this search. Allele frequency data from public databases allowed determination this variant is unlikely to cause disease. Therefore, this variant is classified as likely benign.

Illumina Laboratory Services, Illumina
Classification: Uncertain significance for Neural tube defects, susceptibility to. Last evaluated: 2017-04-27. Review status: criteria provided, single submitter. Criteria: ICSL Variant Classification Criteria 13 December 2019. Collection method: clinical testing. Allele origin: germline.

PreventionGenetics, part of Exact Sciences
Classification: Benign for VANGL1-related condition. Last evaluated: 2019-07-31. Review status: no assertion criteria provided. Collection method: clinical testing. Allele origin: germline. Not counted in ClinVar's aggregate classification.
Comment: This variant is classified as benign based on ACMG/AMP sequence variant interpretation guidelines (Richards et al. 2015 PMID: 25741868, with internal and published modifications).